The following is an entry in ClinVar:

NM_001378328.1(CELSR1):c.7554C>A (p.Phe2518Leu)

Genes: CELSR1 (cadherin EGF LAG seven-pass G-type receptor 1; minus strand), LOC121627952 (CDK7 strongly-dependent group 2 enhancer GRCh37_chr22:46772879-46774078; plus strand). Cytogenetic location: 22q13.31.
Variant type: single nucleotide variant.
Coding change: c.7554C>A on transcript NM_001378328.1 (MANE Select); coding-DNA position 7554, C replaced by A.
Protein change: p.Phe2518Leu; replaces phenylalanine 2518 with leucine.
Molecular consequence: missense variant.
Genome position (GRCh38, 1-based): chr22:46,377,091, G>T on the plus strand (C>A on the coding strand, the complement: CELSR1 is on the minus strand). VCF-style: chr22-46377091-G-T. GRCh37 (hg19) VCF-style: chr22-46772988-G-T.
Other names: c.7554C>A, p.Phe2518Leu (NM_014246.4); short protein forms F2518L.
Identifiers: ClinVar variation 786700 (VCV000786700.8), dbSNP rs116079347, ClinGen allele CA10293330.

ClinVar aggregate classification (germline): Benign/Likely benign. Review status: criteria provided, multiple submitters, no conflicts (2 of 4 stars). 4 submissions from 4 submitters: Benign (2); Likely benign (1). 1 of the submissions does not count toward it. Last evaluated 2021-12-03.

Conditions:
Lymphatic malformation 9. Identifiers: MedGen C5543365, MONDO:0030270, OMIM 619319.
CELSR1-related disorder. Also called: CELSR1-related condition.

Allele frequency attached by ClinVar (database versions not stated): ESP Exome Variant Server 0.02653; TOPMed 0.02320; 1000 Genomes Project 0.02496; 1000 Genomes Project 30x 0.02608.
gnomAD v4.1: 6,728 of 1,613,368 alleles (0.42%); highest among the groups gnomAD compares: African/African-American, 7.4%; 234 homozygotes.

Submissions (4):

Fulgent Genetics
Classification: Likely benign for Lymphatic malformation 9. Last evaluated: 2021-12-03. Review status: criteria provided, single submitter. Criteria: ACMG Guidelines, 2015. Collection method: clinical testing. Allele origin: unknown.

Labcorp Genetics (formerly Invitae), Labcorp
Classification: Benign. Last evaluated: 2019-12-31. Review status: criteria provided, single submitter. Criteria: Invitae Variant Classification Sherloc (09022015). Collection method: clinical testing. Allele origin: germline.

Breakthrough Genomics
Classification: Benign. Review status: criteria provided, single submitter. Criteria: ACMG Guidelines, 2015. Collection method: not provided. Allele origin: germline. Inheritance: Autosomal dominant inheritance. Affected: yes.

PreventionGenetics, part of Exact Sciences
Classification: Benign for CELSR1-related condition. Last evaluated: 2019-11-11. Review status: no assertion criteria provided. Collection method: clinical testing. Allele origin: germline. Not counted in ClinVar's aggregate classification.
Comment: This variant is classified as benign based on ACMG/AMP sequence variant interpretation guidelines (Richards et al. 2015 PMID: 25741868, with internal and published modifications).